The following is an entry in ClinVar:

NC_000002.11:g.(?_73678717)_(73689164_?)del

Gene: ALMS1 (ALMS1 centrosome and basal body associated protein; plus strand). Cytogenetic location: 2p13.1.
Variant type: Deletion.
Identifiers: ClinVar variation 3247164 (VCV003247164.1).

ClinVar aggregate classification (germline): Likely pathogenic (1 of 4 stars; one submission).

Conditions:
Alstrom syndrome (ALMS). Identifiers: Orphanet 64, MedGen C0268425, MONDO:0008763, OMIM 203800.

Submission:

Labcorp Genetics (formerly Invitae), Labcorp
Classification: Likely pathogenic for Alstrom syndrome. Last evaluated: 2020-02-05. Review status: criteria provided, single submitter. Criteria: Invitae Variant Classification Sherloc (09022015). Collection method: clinical testing. Allele origin: unknown.
Comment: In summary, the currently available evidence indicates that the variant is pathogenic, but additional data are needed to prove that conclusively. Therefore, this variant has been classified as Likely Pathogenic. Loss-of-function variants in ALMS1 are known to be pathogenic (PMID: 17594715). Experimental studies and prediction algorithms are not available or were not evaluated, and the functional significance of this variant is currently unknown. This variant has not been reported in the literature in individuals with ALMS1-related conditions. This variant results in the deletion of 9 and part of exon 8 (c.5060_7671+6742delinsAAAAC) of the ALMS1 gene. It is expected to disrupt RNA splicing and likely results in an absent or disrupted protein product.

Literature cited by the submitters: PubMed 17594715.